The following is an entry in ClinVar:

ClinVar aggregate classification (germline): Uncertain significance. Review status: criteria provided, multiple submitters, no conflicts (2 of 4 stars). 2 submissions from 2 submitters: Uncertain significance (2). Last evaluated 2025-07-03.

Allele frequency attached by ClinVar (database versions not stated): gnomAD 0.00001; TOPMed 0.00008; gnomAD exomes 0.00010; ExAC 0.00011.
gnomAD v4.1: 35 of 1,613,420 alleles (0.0022%); highest among the groups gnomAD compares: Admixed American, 0.05%; no homozygotes.

Submissions (2):

Ambry Genetics
Classification: Uncertain significance. Last evaluated: 2025-07-03. Review status: criteria provided, single submitter. Criteria: Ambry Variant Classification Scheme 2023. Collection method: clinical testing. Allele origin: germline.

Labcorp Genetics (formerly Invitae), Labcorp
Classification: Uncertain significance. Last evaluated: 2025-01-06. Review status: criteria provided, single submitter. Criteria: Invitae Variant Classification Sherloc (09022015). Collection method: clinical testing. Allele origin: germline.
Comment: This sequence change replaces alanine, which is neutral and non-polar, with valine, which is neutral and non-polar, at codon 852 of the EPHA4 protein (p.Ala852Val). This variant is present in population databases (rs199889377, gnomAD 0.07%), and has an allele count higher than expected for a pathogenic variant. This variant has not been reported in the literature in individuals affected with EPHA4-related conditions. ClinVar contains an entry for this variant (Variation ID: 1445973). Invitae Evidence Modeling of protein sequence and biophysical properties (such as structural, functional, and spatial information, amino acid conservation, physicochemical variation, residue mobility, and thermodynamic stability) indicates that this missense variant is not expected to disrupt EPHA4 protein function with a negative predictive value of 80%. In summary, the available evidence is currently insufficient to determine the role of this variant in disease. Therefore, it has been classified as a Variant of Uncertain Significance.

NM_004438.5(EPHA4):c.2555C>T (p.Ala852Val)

Gene: EPHA4 (EPH receptor A4; minus strand). Cytogenetic location: 2q36.1.
Variant type: single nucleotide variant.
Coding change: c.2555C>T on transcript NM_004438.5 (MANE Select); coding-DNA position 2555, C replaced by T.
Protein change: p.Ala852Val; replaces alanine 852 with valine.
Molecular consequence: missense variant.
Genome position (GRCh38, 1-based): chr2:221,430,093, G>A on the plus strand (C>T on the coding strand, the complement: EPHA4 is on the minus strand). VCF-style: chr2-221430093-G-A. GRCh37 (hg19) VCF-style: chr2-222294813-G-A.
Other names: c.2555C>T, p.Ala852Val (NM_001304536.2, NM_001363748.2); c.2402C>T, p.Ala801Val (NM_001304537.2); c.2555C>T (NM_004438.3); short protein forms A852V, A801V.
Identifiers: ClinVar variation 1445973 (VCV001445973.8), dbSNP rs199889377, ClinGen allele CA2134743.